The following is an entry in ClinVar:

ClinVar aggregate classification (germline): Uncertain significance (1 of 4 stars; one submission).

Allele frequency attached by ClinVar (database versions not stated): TOPMed below 0.00001.

Submission:

Labcorp Genetics (formerly Invitae), Labcorp
Classification: Uncertain significance. Last evaluated: 2022-04-04. Review status: criteria provided, single submitter. Criteria: Invitae Variant Classification Sherloc (09022015). Collection method: clinical testing. Allele origin: germline.
Comment: This sequence change replaces glutamic acid, which is acidic and polar, with lysine, which is basic and polar, at codon 404 of the LIPG protein (p.Glu404Lys). This variant is not present in population databases (gnomAD no frequency). This variant has not been reported in the literature in individuals affected with LIPG-related conditions. Algorithms developed to predict the effect of missense changes on protein structure and function are either unavailable or do not agree on the potential impact of this missense change (SIFT: "Deleterious"; PolyPhen-2: "Benign"; Align-GVGD: "Class C0"). In summary, the available evidence is currently insufficient to determine the role of this variant in disease. Therefore, it has been classified as a Variant of Uncertain Significance.

NM_006033.4(LIPG):c.1210G>A (p.Glu404Lys)

Gene: LIPG (lipase G, endothelial type; plus strand). Cytogenetic location: 18q21.1.
Variant type: single nucleotide variant.
Coding change: c.1210G>A on transcript NM_006033.4 (MANE Select); coding-DNA position 1210, G replaced by A.
Protein change: p.Glu404Lys; replaces glutamic acid 404 with lysine.
Molecular consequence: missense variant.
Genome position (GRCh38, 1-based): chr18:49,583,608, G>A. VCF-style: chr18-49583608-G-A. GRCh37 (hg19) VCF-style: chr18-47109978-G-A.
Other names: c.988G>A, p.Glu330Lys (NM_001308006.2); short protein forms E330K, E404K.
Identifiers: ClinVar variation 2121242 (VCV002121242.4), dbSNP rs748339975, ClinGen allele CA402422707.